The following is an entry in ClinVar:

ClinVar aggregate classification (germline): Uncertain significance. Review status: criteria provided, multiple submitters, no conflicts (2 of 4 stars). 2 submissions from 2 submitters: Uncertain significance (2). Last evaluated 2023-08-04.

Conditions:
Emery-Dreifuss muscular dystrophy 4, autosomal dominant (EDMD4). Also called: EMERY-DREIFUSS MUSCULAR DYSTROPHY 4 WITH VARIABLE FEATURES. Identifiers: Orphanet 261, MedGen C2751807, MONDO:0013071, OMIM 612998.
Autosomal recessive ataxia, Beauce type. Also called: SYNE1-Related Autosomal Recessive Cerebellar Ataxia; Spinocerebellar ataxia, autosomal recessive 8; ATAXIA, RECESSIVE, OF BEAUCE; SYNE1 Deficiency. Identifiers: Orphanet 88644, MedGen C1853116, MONDO:0012549, OMIM 610743.

Allele frequency attached by ClinVar (database versions not stated): gnomAD 0.00001; ExAC 0.00002; gnomAD exomes 0.00002; TOPMed 0.00004; ESP Exome Variant Server 0.00008.
gnomAD v4.1: 27 of 1,613,900 alleles (0.0017%); highest among the groups gnomAD compares: Admixed American, 0.005%; no homozygotes.

Submissions (2):

Labcorp Genetics (formerly Invitae), Labcorp
Classification: Uncertain significance for Emery-Dreifuss muscular dystrophy 4, autosomal dominant; Autosomal recessive ataxia, Beauce type. Last evaluated: 2023-08-04. Review status: criteria provided, single submitter. Criteria: Invitae Variant Classification Sherloc (09022015). Collection method: clinical testing. Allele origin: germline.
Comment: This sequence change falls in intron 113 of the SYNE1 gene. It does not directly change the encoded amino acid sequence of the SYNE1 protein. It affects a nucleotide within the consensus splice site. This variant is present in population databases (rs368575705, gnomAD 0.009%). This variant has not been reported in the literature in individuals affected with SYNE1-related conditions. ClinVar contains an entry for this variant (Variation ID: 471021). Variants that disrupt the consensus splice site are a relatively common cause of aberrant splicing (PMID: 17576681, 9536098). Algorithms developed to predict the effect of sequence changes on RNA splicing suggest that this variant is not likely to affect RNA splicing. In summary, the available evidence is currently insufficient to determine the role of this variant in disease. Therefore, it has been classified as a Variant of Uncertain Significance.

Eurofins Ntd Llc (ga)
Classification: Uncertain significance. Last evaluated: 2016-10-26. Review status: criteria provided, single submitter. Criteria: EGL Classification Definitions 2015. Collection method: clinical testing. Allele origin: germline. Observed: 1 variant allele, 1 heterozygote.

Literature cited by the submitters: PubMed 17576681 (cited by Labcorp Genetics (formerly Invitae), Labcorp); PubMed 9536098 (cited by Labcorp Genetics (formerly Invitae), Labcorp).

NM_182961.4(SYNE1):c.21039+6C>G

Gene: SYNE1 (spectrin repeat containing nuclear envelope protein 1; minus strand). Cytogenetic location: 6q25.2.
Variant type: single nucleotide variant.
Coding change: c.21039+6C>G on transcript NM_182961.4 (MANE Select); 6 bases into the intron after coding-DNA position 21039, C replaced by G.
Molecular consequence: intron variant.
Genome position (GRCh38, 1-based): chr6:152,231,385, G>C on the plus strand (C>G on the coding strand, the complement: SYNE1 is on the minus strand). VCF-style: chr6-152231385-G-C. GRCh37 (hg19) VCF-style: chr6-152552520-G-C.
Other names: c.20826+6C>G (NM_033071.5).
Identifiers: ClinVar variation 471021 (VCV000471021.10), dbSNP rs368575705, ClinGen allele CA4054273.